The following is an entry in ClinVar:

ClinVar aggregate classification (germline): Uncertain significance. Review status: criteria provided, multiple submitters, no conflicts (2 of 4 stars). 3 submissions from 3 submitters: Uncertain significance (3). Last evaluated 2025-06-06.

Conditions:
Dilated cardiomyopathy 3B (CMD3B). Also called: CMD3B: DMD-Related Dilated Cardiomyopathy; CARDIOMYOPATHY, DILATED, X-LINKED; DMD-Associated Dilated Cardiomyopathy. Identifiers: Orphanet 154, MedGen C3668940, MONDO:0010542, OMIM 302045.
Becker muscular dystrophy (BMD). Also called: Becker Muscular Dystrophy (BMD); MUSCULAR DYSTROPHY, PSEUDOHYPERTROPHIC PROGRESSIVE, BECKER TYPE. Identifiers: Orphanet 98895, MedGen C0917713, MONDO:0010311, OMIM 300376.
Duchenne muscular dystrophy (DMD). Also called: MUSCULAR DYSTROPHY, PSEUDOHYPERTROPHIC PROGRESSIVE, DUCHENNE TYPE; Duchenne Muscular Dystrophy (DMD). Identifiers: Orphanet 98896, MedGen C0013264, MONDO:0010679, OMIM 310200.
Cardiovascular phenotype. Identifiers: MedGen CN230736.

Submissions (3):

Ambry Genetics
Classification: Uncertain significance for Cardiovascular phenotype. Last evaluated: 2025-06-06. Review status: criteria provided, single submitter. Criteria: Ambry Variant Classification Scheme 2023. Collection method: clinical testing. Allele origin: germline.
Comment: The p.M1681I variant (also known as c.5043G>A), located in coding exon 36 of the DMD gene, results from a G to A substitution at nucleotide position 5043. The methionine at codon 1681 is replaced by isoleucine, an amino acid with highly similar properties. This variant co-occurred with a variant in the MYH7 gene in a sudden unexplained death cohort (Santori M et al. Arch Dis Child, 2015 Oct;100:952-6). This amino acid position is highly conserved in available vertebrate species. In addition, the in silico prediction for this alteration is inconclusive. Since supporting evidence is limited at this time, the clinical significance of this alteration remains unclear.

Labcorp Genetics (formerly Invitae), Labcorp
Classification: Uncertain significance for Duchenne muscular dystrophy. Last evaluated: 2022-10-29. Review status: criteria provided, single submitter. Criteria: Invitae Variant Classification Sherloc (09022015). Collection method: clinical testing. Allele origin: germline.
Comment: In summary, the available evidence is currently insufficient to determine the role of this variant in disease. Therefore, it has been classified as a Variant of Uncertain Significance. This sequence change replaces methionine, which is neutral and non-polar, with isoleucine, which is neutral and non-polar, at codon 1681 of the DMD protein (p.Met1681Ile). This variant is not present in population databases (gnomAD no frequency). This variant has not been reported in the literature in individuals affected with DMD-related conditions. ClinVar contains an entry for this variant (Variation ID: 1387525). Advanced modeling of protein sequence and biophysical properties (such as structural, functional, and spatial information, amino acid conservation, physicochemical variation, residue mobility, and thermodynamic stability) performed at Invitae indicates that this missense variant is not expected to disrupt DMD protein function.

Juno Genomics, Hangzhou Juno Genomics, Inc
Classification: Uncertain significance for Becker muscular dystrophy; Dilated cardiomyopathy 3B; Duchenne muscular dystrophy. Review status: criteria provided, single submitter. Criteria: ACMG Guidelines, 2015. Collection method: clinical testing. Allele origin: germline.
Comment: Absent from controls (or at extremely low frequency if recessive) in Genome Aggregation Database.;Multiple lines of computational evidence suggest no impact on gene or gene product.

Literature cited by the submitters: PubMed 26272908 (cited by Ambry Genetics).

NM_004006.3(DMD):c.5043G>A (p.Met1681Ile)

Gene: DMD (dystrophin; minus strand). Cytogenetic location: Xp21.1.
Variant type: single nucleotide variant.
Coding change: c.5043G>A on transcript NM_004006.3 (MANE Select); coding-DNA position 5043, G replaced by A.
Protein change: p.Met1681Ile; replaces methionine 1681 with isoleucine.
Molecular consequence: missense variant.
Genome position (GRCh38, 1-based): chrX:32,364,693, C>T on the plus strand (G>A on the coding strand, the complement: DMD is on the minus strand). VCF-style: chrX-32364693-C-T. GRCh37 (hg19) VCF-style: chrX-32382810-C-T.
Other names: c.5019G>A, p.Met1673Ile (NM_000109.4); c.5031G>A, p.Met1677Ile (NM_004009.3); c.4674G>A, p.Met1558Ile (NM_004010.3); c.1020G>A, p.Met340Ile (NM_004011.4); c.1011G>A, p.Met337Ile (NM_004012.4); short protein forms M1673I, M340I, M1681I, M1677I, M1558I, M337I.
Identifiers: ClinVar variation 1387525 (VCV001387525.11), dbSNP rs1045187121, ClinGen allele CA327995299.